The following is an entry in ClinVar:

ClinVar aggregate classification (germline): Uncertain significance. Review status: criteria provided, multiple submitters, no conflicts (2 of 4 stars). 2 submissions from 2 submitters: Uncertain significance (2). Last evaluated 2025-01-03.

Conditions:
Familial thoracic aortic aneurysm and aortic dissection (TAAD). Also called: Thoracic aortic aneurysms and dissections. Identifiers: Orphanet 91387, MedGen C4707243, MONDO:0019625.
FG syndrome (FGS). Identifiers: MedGen C0220769, MONDO:0002010.

Submissions (2):

Ambry Genetics
Classification: Uncertain significance for Familial thoracic aortic aneurysm and aortic dissection. Last evaluated: 2025-01-03. Review status: criteria provided, single submitter. Criteria: Ambry Variant Classification Scheme 2023. Collection method: clinical testing. Allele origin: germline.

Labcorp Genetics (formerly Invitae), Labcorp
Classification: Uncertain significance for FG syndrome. Last evaluated: 2024-06-08. Review status: criteria provided, single submitter. Criteria: Invitae Variant Classification Sherloc (09022015). Collection method: clinical testing. Allele origin: germline.
Comment: This sequence change replaces methionine, which is neutral and non-polar, with threonine, which is neutral and polar, at codon 679 of the MED12 protein (p.Met679Thr). This variant is not present in population databases (gnomAD no frequency). This variant has not been reported in the literature in individuals affected with MED12-related conditions. Advanced modeling of protein sequence and biophysical properties (such as structural, functional, and spatial information, amino acid conservation, physicochemical variation, residue mobility, and thermodynamic stability) performed at Invitae indicates that this missense variant is not expected to disrupt MED12 protein function with a negative predictive value of 95%. In summary, the available evidence is currently insufficient to determine the role of this variant in disease. Therefore, it has been classified as a Variant of Uncertain Significance.

NM_005120.3(MED12):c.2036T>C (p.Met679Thr)

Gene: MED12 (mediator complex subunit 12; plus strand). Cytogenetic location: Xq13.1.
Variant type: single nucleotide variant.
Coding change: c.2036T>C on transcript NM_005120.3 (MANE Select); coding-DNA position 2036, T replaced by C.
Protein change: p.Met679Thr; replaces methionine 679 with threonine.
Molecular consequence: missense variant.
Genome position (GRCh38, 1-based): chrX:71,124,825, T>C. VCF-style: chrX-71124825-T-C. GRCh37 (hg19) VCF-style: chrX-70344675-T-C.
Other names: c.2036T>C (NM_005120.2); short protein forms M679T.
Identifiers: ClinVar variation 3676129 (VCV003676129.3).
Genomic context (GRCh38, chrX:71,124,825, plus strand): 5'-ATCCAGGGCTCTCAGAATCTATGGACATTGACCCTAGTTCCAGTGTTCTCTTTGAGGACA[T>C]GGAGAAGCCTGATTTCTCAGTAAGTTCAATCCTGAGCGTGGCAGAATCTGGATCCTTGGA-3'
Protein context (NP_005111.2, residues 669-689): DPSSSVLFED[Met679Thr]EKPDFSLFSP